The following is an entry in ClinVar:

NM_001127511.3(APC):c.-31T>G

Gene: APC (APC regulator of Wnt signaling pathway; plus strand). Cytogenetic location: 5q22.2.
Variant type: single nucleotide variant.
Coding change: c.-31T>G on transcript NM_001127511.3; 31 bases upstream of the start codon, T replaced by G.
Molecular consequence: 5 prime UTR variant. On other transcripts: non-coding transcript variant (1), intron variant (5).
Genome position (GRCh38, 1-based): chr5:112,707,687, T>G. VCF-style: chr5-112707687-T-G. GRCh37 (hg19) VCF-style: chr5-112043384-T-G.
Other names: c.-214T>G (NM_001354895.2, NM_001407447.1, NM_001407452.1 and 3 more transcripts); c.-31T>G (NM_001354897.2, NM_001354902.2, NM_001407446.1); c.-1249T>G (NM_001407470.1, NM_001407472.1); c.-19+38T>G (NM_001407448.1, NM_001407450.1, NM_001407457.1 and 1 more transcripts); c.-43+38T>G (NM_001407453.1).
Identifiers: ClinVar variation 439405 (VCV000439405.60), dbSNP rs78429131, ClinGen allele CA057801.

ClinVar aggregate classification (germline): Benign/Likely benign. Review status: criteria provided, multiple submitters, no conflicts (2 of 4 stars). 7 submissions from 7 submitters: Benign (4); Likely benign (1). 2 of the submissions do not count toward it. Last evaluated 2026-02-04.

Conditions:
APC-related disorder. Also called: APC-related condition.
Familial adenomatous polyposis 1 (FAP1). Also called: FAMILIAL ADENOMATOUS POLYPOSIS 1, ATTENUATED; POLYPOSIS, ADENOMATOUS INTESTINAL. Identifiers: MedGen C2713442, MONDO:0021056, OMIM 175100. Disease mechanism: loss of function.

Allele frequency attached by ClinVar (database versions not stated): 1000 Genomes Project 30x 0.07402; gnomAD 0.09154 and 0.09083; 1000 Genomes Project 0.07668; TOPMed 0.08707; gnomAD exomes 0.08864 and 0.10329; ExAC 0.11120.
gnomAD v4.1: 139,609 of 1,370,290 alleles (10%); highest among the groups gnomAD compares: Middle Eastern, 13%; 7,617 homozygotes.

Submissions (7):

Labcorp Genetics (formerly Invitae), Labcorp
Classification: Benign for Familial adenomatous polyposis 1. Last evaluated: 2026-02-04. Review status: criteria provided, single submitter. Criteria: Invitae Variant Classification Sherloc (09022015). Collection method: clinical testing. Allele origin: germline.

PreventionGenetics, part of Exact Sciences
Classification: Benign for APC-related condition. Last evaluated: 2025-09-07. Review status: criteria provided, single submitter. Criteria: ACMG Guidelines, 2015. Collection method: clinical testing. Allele origin: germline.
Comment: This variant is classified as benign based on ACMG/AMP sequence variant interpretation guidelines (Richards et al. 2015 PMID: 25741868, with internal and published modifications).

Blueprint Genetics
Classification: Likely benign. Last evaluated: 2024-11-26. Review status: criteria provided, single submitter. Criteria: ACMG Guidelines, 2015. Collection method: clinical testing. Allele origin: germline.

ARUP Laboratories, Molecular Genetics and Genomics, ARUP Laboratories
Classification: Benign. Last evaluated: 2018-07-19. Review status: criteria provided, single submitter. Criteria: ARUP Molecular Germline Variant Investigation Process. Collection method: clinical testing. Allele origin: germline.

GeneDx
Classification: Benign. Last evaluated: 2015-03-03. Review status: criteria provided, single submitter. Criteria: GeneDx Variant Classification Process June 2021. Collection method: clinical testing. Allele origin: germline. Affected: yes.

Clinical Genetics, Academic Medical Center
Classification: Benign. Review status: no assertion criteria provided. Collection method: clinical testing. Allele origin: germline. Affected: yes. Study: VKGL Data-share Consensus. Not counted in ClinVar's aggregate classification.

Joint Genome Diagnostic Labs from Nijmegen and Maastricht, Radboudumc and MUMC+
Classification: Benign. Review status: no assertion criteria provided. Collection method: clinical testing. Allele origin: germline. Affected: yes. Study: VKGL Data-share Consensus. Not counted in ClinVar's aggregate classification.